The following is an entry in ClinVar:

ClinVar aggregate classification (germline): Uncertain significance. Review status: criteria provided, multiple submitters, no conflicts (2 of 4 stars). 2 submissions from 2 submitters: Uncertain significance (2). Last evaluated 2025-10-21.

Conditions:
Spastic paraplegia. Identifiers: MedGen C0037772, HP:0001258.

Allele frequency attached by ClinVar (database versions not stated): gnomAD exomes 0.00008; gnomAD 0.00009; TOPMed 0.00010.

Submissions (2):

Ambry Genetics
Classification: Uncertain significance. Last evaluated: 2025-10-21. Review status: criteria provided, single submitter. Criteria: Ambry Variant Classification Scheme 2023. Collection method: clinical testing. Allele origin: germline.

Labcorp Genetics (formerly Invitae), Labcorp
Classification: Uncertain significance for Spastic paraplegia. Last evaluated: 2024-05-23. Review status: criteria provided, single submitter. Criteria: Invitae Variant Classification Sherloc (09022015). Collection method: clinical testing. Allele origin: germline.
Comment: This sequence change replaces alanine, which is neutral and non-polar, with threonine, which is neutral and polar, at codon 216 of the ARSI protein (p.Ala216Thr). This variant is present in population databases (rs757449885, gnomAD 0.09%), and has an allele count higher than expected for a pathogenic variant. This variant has not been reported in the literature in individuals affected with ARSI-related conditions. ClinVar contains an entry for this variant (Variation ID: 965735). Advanced modeling of protein sequence and biophysical properties (such as structural, functional, and spatial information, amino acid conservation, physicochemical variation, residue mobility, and thermodynamic stability) performed at Invitae indicates that this missense variant is not expected to disrupt ARSI protein function with a negative predictive value of 80%. In summary, the available evidence is currently insufficient to determine the role of this variant in disease. Therefore, it has been classified as a Variant of Uncertain Significance.

NM_001012301.4(ARSI):c.646G>A (p.Ala216Thr)

Gene: ARSI (arylsulfatase family member I; minus strand). Cytogenetic location: 5q32.
Variant type: single nucleotide variant.
Coding change: c.646G>A on transcript NM_001012301.4 (MANE Select); coding-DNA position 646, G replaced by A.
Protein change: p.Ala216Thr; replaces alanine 216 with threonine.
Molecular consequence: missense variant.
Genome position (GRCh38, 1-based): chr5:150,298,278, C>T on the plus strand (G>A on the coding strand, the complement: ARSI is on the minus strand). VCF-style: chr5-150298278-C-T. GRCh37 (hg19) VCF-style: chr5-149677841-C-T.
Other names: short protein forms A216T.
Identifiers: ClinVar variation 965735 (VCV000965735.10), dbSNP rs757449885, ClinGen allele CA3510285.